The following is an entry in ClinVar:

ClinVar aggregate classification (germline): Pathogenic (0 of 4 stars; one submission).

Conditions:
Breast carcinoma. Also called: Carcinoma of breast. Identifiers: MedGen C0678222, MONDO:0004989, HP:0003002.

Submission:

Anoual Laboratory of Radio-Immuno Analysis
Classification: Pathogenic for Breast carcinoma. Review status: no assertion criteria provided. Collection method: clinical testing. Allele origin: somatic. Affected: yes. Observed: 1 variant allele.
Comment: this variant is due to the deletion of two nucleotides Guanine and Cytosine in exon 16 of the gene BRCA2, this deletion cause the substitution of the amino acid valine with phenylalanine at position 2545 which provoke a stop codon at position 2547 of the new reading frame.

NM_000059.4(BRCA2):c.7632_7633del (p.Val2545fs)

Gene: BRCA2 (BRCA2 DNA repair associated; plus strand). Cytogenetic location: 13q13.1.
Variant type: Deletion.
Coding change: c.7632_7633del on transcript NM_000059.4 (MANE Select); coding-DNA positions 7632 to 7633, 2 bases deleted (CG; older notation c.7632_7633delCG).
Protein change: p.Val2545fs; shifts the reading frame from valine 2545.
Molecular consequence: frameshift variant.
Genome position (GRCh38, 1-based): chr13:32,357,756-32,357,757, CG deleted; deleting any 2 consecutive bases within chr13:32,357,755-32,357,757 gives the same sequence; the c. name uses the placement nearest the transcript's 3' end. VCF-style (leftmost placement, unchanged base first): chr13-32357754-GGC-G. GRCh37 (hg19) VCF-style: chr13-32931891-GGC-G.
Other names: c.7632_7633delCG (NM_000059.4); short protein forms V2545fs.
Identifiers: ClinVar variation 1177528 (VCV001177528.2), dbSNP rs2137566201, ClinGen allele CA2499222302.